The following is an entry in ClinVar:

ClinVar aggregate classification (germline): Pathogenic. Review status: criteria provided, multiple submitters, no conflicts (2 of 4 stars). 2 submissions from 2 submitters: Pathogenic (2). Last evaluated 2025-05-19.

Conditions:
Polycystic kidney disease, adult type (PKD1). Also called: Polycystic Kidney Disease 1, Autosomal Dominant; Polycystic kidney disease 1; Polycystic kidney disease 1, severe; Polycystic Kidney, Autosomal Dominant; POLYCYSTIC KIDNEY DISEASE 1 WITH OR WITHOUT POLYCYSTIC LIVER DISEASE; POLYCYSTIC KIDNEY DISEASE, ADULT, TYPE I. Identifiers: MedGen C3149841, MONDO:0008263, OMIM 173900.

Submissions (2):

Victorian Clinical Genetics Services, Murdoch Childrens Research Institute
Classification: Pathogenic for Polycystic kidney disease, adult type. Last evaluated: 2025-05-19. Review status: criteria provided, single submitter. Criteria: ACMG Guidelines, 2015. Collection method: clinical testing. Allele origin: germline. Affected: yes.
Comment: This variant is classified as Pathogenic. Evidence in support of pathogenic classification: Canonical splice site variant without proven consequence on splicing (no functional evidence available); Variant is absent from gnomAD (v2, v3 and v4); This variant has limited previous evidence of pathogenicity in an unrelated individual(s). This variant has been classified as pathogenic by a clinical laboratory in ClinVar; Other splice variant(s) comparable to the one identified in this case have moderate previous evidence for pathogenicity. c.7704-1G>A and c.7704-2A>G have been classified as likely pathogenic and pathogenic, respectively, by clinical laboratories in ClinVar. c.7704-2A>G has also been reported in two individuals from one family, an adult with PKD and a child who was unaffected at the time of testing; both of these individuals harboured another variant in cis, c.7670A>G p.(Asp2557Gly) (PMID: 34032358); Abnormal splicing is predicted by in silico tool(s) and affected nucleotide is highly conserved. Additional information: This variant is heterozygous; This gene is associated with autosomal dominant disease. Polycystic kidney disease 1 (MIM#173900) is predominantly caused by monoallelic variants, with rare reports of biallelic variants causing disease (OMIM); Loss of function is a known mechanism of disease in this gene and is associated with polycystic kidney disease 1 (MIM#173900); Inheritance information for this variant is not currently available in this individual.

MVZ Medizinische Genetik Mainz
Classification: Pathogenic for Polycystic kidney disease, adult type. Last evaluated: 2022-04-11. Review status: criteria provided, single submitter. Criteria: UK Practice Guidelines For Variant Classification V4 01 2020. Collection method: clinical testing. Allele origin: germline. Inheritance: Autosomal dominant inheritance. Affected: yes. Observed: 1 variant allele.
Comment: ACMG Criteria: PVS1, PM2_SUP, PP4 (ACMG Version 3)

Literature cited by the submitters: PubMed 34032358 (cited by Victorian Clinical Genetics Services, Murdoch Childrens Research Institute).

NM_001009944.3(PKD1):c.7704-1G>C

Gene: PKD1 (polycystin 1, transient receptor potential channel interacting; minus strand). Cytogenetic location: 16p13.3.
Variant type: single nucleotide variant.
Coding change: c.7704-1G>C on transcript NM_001009944.3 (MANE Select); the canonical splice acceptor site of the intron before coding-DNA position 7704, G replaced by C.
Molecular consequence: splice acceptor variant.
Genome position (GRCh38, 1-based): chr16:2,106,025, C>G on the plus strand (G>C on the coding strand, the complement: PKD1 is on the minus strand). VCF-style: chr16-2106025-C-G. GRCh37 (hg19) VCF-style: chr16-2156026-C-G.
Other names: c.7704-1G>C (NM_000296.4).
Identifiers: ClinVar variation 3235158 (VCV003235158.3), dbSNP rs2544776487.